The following is an entry in ClinVar:

NM_000553.6(WRN):c.3334T>C (p.Tyr1112His)

Gene: WRN (WRN RecQ like helicase; plus strand). Cytogenetic location: 8p12.
Variant type: single nucleotide variant.
Coding change: c.3334T>C on transcript NM_000553.6 (MANE Select); coding-DNA position 3334, T replaced by C.
Protein change: p.Tyr1112His; replaces tyrosine 1112 with histidine.
Molecular consequence: missense variant.
Genome position (GRCh38, 1-based): chr8:31,143,574, T>C. VCF-style: chr8-31143574-T-C. GRCh37 (hg19) VCF-style: chr8-31001090-T-C.
Other names: p.Tyr1112His; short protein forms Y1112H.
Identifiers: ClinVar variation 852444 (VCV000852444.8), dbSNP rs1213099634, ClinGen allele CA370924054.
Genomic context (GRCh38, chr8:31,143,574, plus strand): 5'-ACTTTTTTTAATGGACCTTTATATGTTTAAATGCAGTCTAACTTGGAGAAGTTATATTCT[T>C]ATAAACCATGTGATAAGATTTCTTCTGGGAGTAACATTTCTAAAAAAAGGTACAGAGTTC-3'
Protein context (NP_000544.2, residues 1102-1122): KKSNLEKLYS[Tyr1112His]KPCDKISSGS

ClinVar aggregate classification (germline): Uncertain significance. Review status: criteria provided, multiple submitters, no conflicts (2 of 4 stars). 3 submissions from 3 submitters: Uncertain significance (3). Last evaluated 2025-08-11.

Conditions:
Werner syndrome (WRN). Identifiers: Orphanet 902, MedGen C0043119, MONDO:0010196, OMIM 277700.
Inborn genetic diseases. Identifiers: MedGen C0950123, MeSH D030342.

Allele frequency attached by ClinVar (database versions not stated): gnomAD exomes below 0.00001; gnomAD 0.00001.
gnomAD v4.1: 5 of 1,594,348 alleles (0.00031%); highest among the groups gnomAD compares: Middle Eastern, 0.017%; no homozygotes.

Submissions (3):

Labcorp Genetics (formerly Invitae), Labcorp
Classification: Uncertain significance for Werner syndrome. Last evaluated: 2025-08-11. Review status: criteria provided, single submitter. Criteria: Invitae Variant Classification Sherloc (09022015). Collection method: clinical testing. Allele origin: germline.
Comment: This sequence change replaces tyrosine with histidine at codon 1112 of the WRN protein (p.Tyr1112His). The tyrosine residue is moderately conserved and there is a moderate physicochemical difference between tyrosine and histidine. This variant is present in population databases (no rsID available, gnomAD no frequency). This variant has not been reported in the literature in individuals affected with WRN-related conditions. ClinVar contains an entry for this variant (Variation ID: 852444). An algorithm developed to predict the effect of missense changes on protein structure and function outputs the following: PolyPhen-2: "Benign". The histidine amino acid residue is found in multiple mammalian species, which suggests that this missense change does not adversely affect protein function. In summary, the available evidence is currently insufficient to determine the role of this variant in disease. Therefore, it has been classified as a Variant of Uncertain Significance.

Ambry Genetics
Classification: Uncertain significance for Inborn genetic diseases. Last evaluated: 2024-08-12. Review status: criteria provided, single submitter. Criteria: Ambry Variant Classification Scheme 2023. Collection method: clinical testing. Allele origin: germline.

Mayo Clinic Laboratories, Mayo Clinic
Classification: Uncertain significance. Last evaluated: 2024-06-06. Review status: criteria provided, single submitter. Criteria: ACMG Guidelines, 2015. Collection method: clinical testing. Allele origin: germline. Observed: 2 variant alleles.
Comment: BP4